The following is an entry in ClinVar:

NM_013432.5(TONSL):c.262C>T (p.Gln88Ter)

Gene: TONSL (tonsoku like, DNA repair protein; minus strand). Cytogenetic location: 8q24.3.
Variant type: single nucleotide variant.
Coding change: c.262C>T on transcript NM_013432.5 (MANE Select); coding-DNA position 262, C replaced by T.
Protein change: p.Gln88Ter; replaces glutamine 88 with a stop codon.
Molecular consequence: nonsense.
Genome position (GRCh38, 1-based): chr8:144,443,884, G>A on the plus strand (C>T on the coding strand, the complement: TONSL is on the minus strand). VCF-style: chr8-144443884-G-A. GRCh37 (hg19) VCF-style: chr8-145669267-G-A.
Other names: short protein forms Q88*.
Identifiers: ClinVar variation 3256942 (VCV003256942.1).
Genomic context (GRCh38, chr8:144,443,884, plus strand): 5'-TCAGAAAAGGGCTCCAGAGGCCGACCGGGCTGGACGAGGCCAGTGAGGGCGCCCGCACCT[G>A]CAAGGCAGCCGGGTAGTCCTCCATCTCGGCCAGGCGCTCTCCGATCTTGCGGTGGGCCAC-3'

ClinVar aggregate classification (germline): Likely pathogenic (1 of 4 stars; one submission).

Conditions:
Susceptibility to severe COVID-19.

Submission:

Molecular Medicine Center, Medical University of Sofia
Classification: Likely pathogenic for Susceptibility to severe COVID-19. Last evaluated: 2024-07-22. Review status: criteria provided, single submitter. Criteria: ACMG Guidelines, 2015. Collection method: research. Allele origin: germline. Affected: yes.
Comment: Novel (unreported in gnomAD or dbSNP until April 2024) variant found in severely infected COVID-19 Bulgarian patients in a research study. Variant is classified as likely pathogenic according to the ACMG criteria: PM2,PVS1.